The following is an entry in ClinVar:

NM_031471.6(FERMT3):c.1312-2A>C

Gene: FERMT3 (FERM domain containing kindlin 3; plus strand). Cytogenetic location: 11q13.1.
Variant type: single nucleotide variant.
Coding change: c.1312-2A>C on transcript NM_031471.6 (MANE Select); the canonical splice acceptor site of the intron before coding-DNA position 1312, A replaced by C.
Molecular consequence: splice acceptor variant.
Genome position (GRCh38, 1-based): chr11:64,220,434, A>C. VCF-style: chr11-64220434-A-C. GRCh37 (hg19) VCF-style: chr11-63987906-A-C.
Other names: c.1312-2A>C (NM_001382448.1, NM_001382361.1); c.1324-2A>C (NM_178443.3, NM_001382362.1); c.784-2A>C (NM_001382364.1); c.772-2A>C (NM_001382363.1).
Identifiers: ClinVar variation 947116 (VCV000947116.10), dbSNP rs760261349, ClinGen allele CA6069127.
Genomic context (GRCh38, chr11:64,220,434, plus strand): 5'-GGGGCAGGGGCTGAGGAGCATCAAGCTTGGTTAGCACTGTCCCCCTCACCCCTCTCGCCC[A>C]GGAGCAGCAGTATGCCCGCTGGATGGCTGGCTGCCGCCTGGCCTCCAAAGGCCGCACCAT-3'

ClinVar aggregate classification (germline): Likely pathogenic (1 of 4 stars; one submission).

Conditions:
Leukocyte adhesion deficiency 3. Also called: INTEGRIN ACTIVATION DEFICIENCY DISEASE; LEUKOCYTE ADHESION DEFICIENCY 1 VARIANT; Leukocyte adhesion deficiency, type III. Identifiers: Orphanet 2968, Orphanet 99844, MedGen C2748536, MONDO:0013016, OMIM 612840.

Allele frequency attached by ClinVar (database versions not stated): gnomAD exomes 0.00002 and 0.00003; ExAC 0.00007.
gnomAD v4.1: 9 of 1,611,208 alleles (0.00056%); highest among the groups gnomAD compares: Non-Finnish European, 0.00076%; no homozygotes.

Submission:

Labcorp Genetics (formerly Invitae), Labcorp
Classification: Likely pathogenic for Leukocyte adhesion deficiency 3. Last evaluated: 2019-07-04. Review status: criteria provided, single submitter. Criteria: Invitae Variant Classification Sherloc (09022015). Collection method: clinical testing. Allele origin: germline.
Comment: In summary, the currently available evidence indicates that the variant is pathogenic, but additional data are needed to prove that conclusively. Therefore, this variant has been classified as Likely Pathogenic. Donor and acceptor splice site variants typically lead to a loss of protein function (PMID: 16199547), and loss-of-function variants in FERMT3 are known to be pathogenic (PMID: 19064721, 19234463, 22134107). Algorithms developed to predict the effect of sequence changes on RNA splicing suggest that this variant may disrupt the consensus splice site, but this prediction has not been confirmed by published transcriptional studies. Disruption of this splice dinucleotide site has been observed in an individual affected with leukocyte adhesion deficiency III (PMID: 22564402). This variant is present in population databases (rs760261349, ExAC 0.01%). This sequence change affects an acceptor splice site in intron 11 of the FERMT3 gene. It is expected to disrupt RNA splicing and likely results in an absent or disrupted protein product.

Literature cited by the submitters: PubMed 16199547; PubMed 19064721; PubMed 19234463; PubMed 22134107; PubMed 22564402.